The following is an entry in ClinVar:

ClinVar aggregate classification (germline): Conflicting classifications of pathogenicity. Review status: criteria provided, conflicting classifications (1 of 4 stars). 5 submissions from 5 submitters: Likely pathogenic (2); Uncertain significance (3). Last evaluated 2025-06-23.

Conditions:
Autosomal recessive nonsyndromic hearing loss 3. Also called: NEUROSENSORY NONSYNDROMIC RECESSIVE DEAFNESS 3. Identifiers: Orphanet 90636, MedGen C1838263, MONDO:0010860, OMIM 600316.

Allele frequency attached by ClinVar (database versions not stated): gnomAD exomes 0.00002; TOPMed 0.00002.
gnomAD v4.1: 25 of 1,614,000 alleles (0.0015%); highest among the groups gnomAD compares: Admixed American, 0.0033%; no homozygotes.

Submissions (5):

GeneDx
Classification: Likely pathogenic. Last evaluated: 2025-06-23. Review status: criteria provided, single submitter. Criteria: GeneDx Variant Classification Process June 2021. Collection method: clinical testing. Allele origin: germline.
Comment: Not observed at significant frequency in large population cohorts (gnomAD); In silico analysis supports that this missense variant has a deleterious effect on protein structure/function; This variant is associated with the following publications: (PMID: 12408074, 25792667, 31579092, 35346193, 37811145, 30953472)

Women's Health and Genetics/Laboratory Corporation of America, LabCorp
Classification: Uncertain significance. Last evaluated: 2025-06-20. Review status: criteria provided, single submitter. Criteria: LabCorp Variant Classification Summary - May 2015. Collection method: clinical testing. Allele origin: germline.
Comment: Variant summary: MYO15A c.4072G>A (p.Gly1358Ser) results in a non-conservative amino acid change located in the Myosin head, motor domain (IPR001609) of the encoded protein sequence. Algorithms developed to predict the effect of missense changes on protein structure and function all suggest that this variant is likely to be disruptive. The variant allele was found at a frequency of 4e-06 in 249546 control chromosomes. The available data on variant occurrences in the general population are insufficient to allow any conclusion about variant significance. c.4072G>A has been observed in individuals affected with Autosomal Recessive Nonsyndromic Hearing Loss (example: Friedman_2002, Miyagawa_2015, Imizcoz_2023). These data do not allow any conclusion about variant significance. To our knowledge, no experimental evidence demonstrating an impact on protein function has been reported. The following publications have been ascertained in the context of this evaluation (PMID: 37811145, 12408074, 25792667). ClinVar contains an entry for this variant (Variation ID: 2497968). Based on the evidence outlined above, the variant was classified as uncertain significance.

3billion
Classification: Uncertain significance for Autosomal recessive nonsyndromic hearing loss 3. Last evaluated: 2025-02-27. Review status: criteria provided, single submitter. Criteria: ACMG Guidelines, 2015. Collection method: clinical testing. Allele origin: germline. Affected: yes.
Comment: The variant is observed at an extremely low frequency in the gnomAD v4.1.0 dataset (total allele frequency: 0.002%). Predicted Consequence/Location: Missense variant. The majority of the known disease-causing variants of this gene are variants expected to result in premature termination of the protein. In silico tool predictions suggest damaging effect of the variant on gene or gene product [REVEL: 0.97 (>=0.6, sensitivity 0.68 and specificity 0.92)]. The same nucleotide change resulting in the same amino acid change has been previously reported to be associated with MYO15A-related disorder (PMID: 25792667). However, the evidence of pathogenicity is insufficient at this time. Therefore, this variant is classified as VUS according to the recommendation of ACMG/AMP guideline.

Labcorp Genetics (formerly Invitae), Labcorp
Classification: Likely pathogenic. Last evaluated: 2024-11-27. Review status: criteria provided, single submitter. Criteria: Invitae Variant Classification Sherloc (09022015). Collection method: clinical testing. Allele origin: germline.
Comment: This sequence change replaces glycine, which is neutral and non-polar, with serine, which is neutral and polar, at codon 1358 of the MYO15A protein (p.Gly1358Ser). This variant is present in population databases (no rsID available, gnomAD 0.003%). This missense change has been observed in individual(s) with nonsyndromic deafness (PMID: 25792667). In at least one individual the data is consistent with being in trans (on the opposite chromosome) from a pathogenic variant. ClinVar contains an entry for this variant (Variation ID: 2497968). Invitae Evidence Modeling of protein sequence and biophysical properties (such as structural, functional, and spatial information, amino acid conservation, physicochemical variation, residue mobility, and thermodynamic stability) indicates that this missense variant is expected to disrupt MYO15A protein function with a positive predictive value of 95%. In summary, the currently available evidence indicates that the variant is pathogenic, but additional data are needed to prove that conclusively. Therefore, this variant has been classified as Likely Pathogenic.

Neuberg Centre For Genomic Medicine, NCGM
Classification: Uncertain significance for Autosomal recessive nonsyndromic hearing loss 3. Review status: criteria provided, single submitter. Criteria: ACMG Guidelines, 2015. Collection method: clinical testing. Allele origin: germline. Inheritance: Autosomal recessive inheritance. Affected: yes.
Comment: The missense variant p.G1358S in MYO15A (NM_016239.4) has not been reported previously as a pathogenic variant nor as a benign variant, to our knowledge. The p.G1358S variant is observed in 1/34,508 (0.0029%) alleles from individuals of Latino background in gnomAD Exomes and is novel (not in any individuals) in 1000 Genomes. The p.G1358S missense variant is predicted to be damaging by both SIFT and PolyPhen2. The glycine residue at codon 1358 of MYO15A is conserved in all mammalian species. The nucleotide c.4072 in MYO15A is predicted conserved by GERP++ and PhyloP across 100 vertebrates. For these reasons, this variant has been classified as Uncertain Significance.

Literature cited by the submitters: PubMed 37811145 (cited by Women's Health and Genetics/Laboratory Corporation of America, LabCorp); PubMed 12408074 (cited by Women's Health and Genetics/Laboratory Corporation of America, LabCorp); PubMed 25792667 (cited by 3 submitters).

NM_016239.4(MYO15A):c.4072G>A (p.Gly1358Ser)

Gene: MYO15A (myosin XVA; plus strand). Cytogenetic location: 17p11.2.
Variant type: single nucleotide variant.
Coding change: c.4072G>A on transcript NM_016239.4 (MANE Select); coding-DNA position 4072, G replaced by A.
Protein change: p.Gly1358Ser; replaces glycine 1358 with serine.
Molecular consequence: missense variant.
Genome position (GRCh38, 1-based): chr17:18,131,272, G>A. VCF-style: chr17-18131272-G-A. GRCh37 (hg19) VCF-style: chr17-18034586-G-A.
Other names: short protein forms G1358S.
Identifiers: ClinVar variation 2497968 (VCV002497968.8), dbSNP rs1291982378, ClinGen allele CA398591856.
Genomic context (GRCh38, chr17:18,131,272, plus strand): 5'-ATTCCCACATCTCCTTCTGGAGTCCAGATCCTGGAGGCAACACCCCTCTTGGAGTCCTTC[G>A]GTAATGCCAAAACCGTCAGGAACGACAACTCCAGCCGCTTTGGGAAGTTTGTGGAAATCT-3'
Protein context (NP_057323.3, residues 1348-1368): LEATPLLESF[Gly1358Ser]NAKTVRNDNS